The following is an entry in ClinVar:

NM_001042492.3(NF1):c.5764C>T (p.Leu1922Phe)

Gene: NF1 (neurofibromin 1; plus strand). Cytogenetic location: 17q11.2.
Variant type: single nucleotide variant.
Coding change: c.5764C>T on transcript NM_001042492.3 (MANE Select); coding-DNA position 5764, C replaced by T.
Protein change: p.Leu1922Phe; replaces leucine 1922 with phenylalanine.
Molecular consequence: missense variant.
Genome position (GRCh38, 1-based): chr17:31,330,450, C>T. VCF-style: chr17-31330450-C-T. GRCh37 (hg19) VCF-style: chr17-29657468-C-T.
Other names: c.5701C>T, p.Leu1901Phe (NM_000267.4); short protein forms L1901F, L1922F.
Identifiers: ClinVar variation 825913 (VCV000825913.6), dbSNP rs1597834892, ClinGen allele CA399010423.

ClinVar aggregate classification (germline): Uncertain significance. Review status: criteria provided, multiple submitters, no conflicts (2 of 4 stars). 3 submissions from 3 submitters: Uncertain significance (3). Last evaluated 2025-05-01.

Conditions:
Hereditary cancer-predisposing syndrome. Also called: Neoplastic Syndromes, Hereditary; Hereditary Cancer Syndrome; Hereditary neoplastic syndrome; Tumor predisposition. Identifiers: Orphanet 140162, MedGen C0027672, MeSH D009386, MONDO:0015356.
Cardiovascular phenotype. Identifiers: MedGen CN230736.
Neurofibromatosis-Noonan syndrome (NFNS). Also called: NEUROFIBROMATOSIS WITH NOONAN PHENOTYPE. Identifiers: Orphanet 638, MedGen C2931482, MONDO:0011035, OMIM 601321. Disease mechanism: loss of function.
Neurofibromatosis, type 1 (NF1). Also called: Neurofibromatosis, type I; Peripheral type neurofibromatosis; VON RECKLINGHAUSEN DISEASE; NEUROFIBROMATOSIS, TYPE I, SOMATIC. Identifiers: Orphanet 636, MedGen C0027831, MONDO:0018975, OMIM 162200. Disease mechanism: loss of function.

Allele frequency attached by ClinVar (database versions not stated): gnomAD exomes 0.00001.
gnomAD v4.1: 3 of 1,613,858 alleles (0.00019%); highest among the groups gnomAD compares: South Asian, 0.0011%; no homozygotes.

Submissions (3):

Labcorp Genetics (formerly Invitae), Labcorp
Classification: Uncertain significance for Neurofibromatosis, type 1. Last evaluated: 2025-05-01. Review status: criteria provided, single submitter. Criteria: Invitae Variant Classification Sherloc (09022015). Collection method: clinical testing. Allele origin: germline.
Comment: This sequence change replaces leucine, which is neutral and non-polar, with phenylalanine, which is neutral and non-polar, at codon 1901 of the NF1 protein (p.Leu1901Phe). This variant is not present in population databases (gnomAD no frequency). This variant has not been reported in the literature in individuals affected with NF1-related conditions. ClinVar contains an entry for this variant (Variation ID: 825913). Invitae Evidence Modeling of protein sequence and biophysical properties (such as structural, functional, and spatial information, amino acid conservation, physicochemical variation, residue mobility, and thermodynamic stability) indicates that this missense variant is expected to disrupt NF1 protein function with a positive predictive value of 95%. In summary, the available evidence is currently insufficient to determine the role of this variant in disease. Therefore, it has been classified as a Variant of Uncertain Significance.

Ambry Genetics
Classification: Uncertain significance for Cardiovascular phenotype; Hereditary cancer-predisposing syndrome. Last evaluated: 2023-11-17. Review status: criteria provided, single submitter. Criteria: Ambry Variant Classification Scheme 2023. Collection method: clinical testing. Allele origin: germline.
Comment: The p.L1901F variant (also known as c.5701C>T), located in coding exon 38 of the NF1 gene, results from a C to T substitution at nucleotide position 5701. The leucine at codon 1901 is replaced by phenylalanine, an amino acid with highly similar properties. This amino acid position is highly conserved in available vertebrate species. In addition, this alteration is predicted to be deleterious by in silico analysis. Since supporting evidence is limited at this time, the clinical significance of this alteration remains unclear.

Neuberg Centre For Genomic Medicine, NCGM
Classification: Uncertain significance for Neurofibromatosis-Noonan syndrome. Review status: criteria provided, single submitter. Criteria: ACMG Guidelines, 2015. Collection method: clinical testing. Allele origin: germline. Inheritance: Autosomal dominant inheritance. Affected: yes.
Comment: The observed missense variant c.5764C>T (p.Leu1922Phe) in NF1 gene has not been reported previously as a pathogenic variant nor as a benign variant, to our knowledge. The p.Leu1922Phe variant is absent in gnomAD Exomes database. This variant has been submitted to the ClinVar database as Uncertain Significance. The amino acid change p.Leu1922Phe in NF1 is predicted as conserved by GERP++ and PhyloP across 100 vertebrates. The amino acid Leu at position 1922 is changed to a Phe changing protein sequence and it might alter its composition and physico-chemical properties. For these reasons, this variant has been classified as a Variant of Uncertain Significance (VUS).